The following is an entry in ClinVar:

ClinVar aggregate classification (germline): Likely pathogenic (1 of 4 stars; one submission).

Conditions:
Deficiency of hydroxymethylglutaryl-CoA lyase (HMGCLD). Also called: HMGCL DEFICIENCY; HYDROXYMETHYLGLUTARIC ACIDURIA; HMG-CoA LYASE DEFICIENCY; Defect in leucine metabolism; 3-hydroxy-3-methylglutaric aciduria. Identifiers: Orphanet 20, MedGen C1533587, MONDO:0009520, OMIM 246450.

Submission:

Labcorp Genetics (formerly Invitae), Labcorp
Classification: Likely pathogenic for Deficiency of hydroxymethylglutaryl-CoA lyase. Last evaluated: 2023-10-28. Review status: criteria provided, single submitter. Criteria: Invitae Variant Classification Sherloc (09022015). Collection method: clinical testing. Allele origin: germline.
Comment: This sequence change affects a donor splice site in intron 6 of the HMGCL gene. It is expected to disrupt RNA splicing. Variants that disrupt the donor or acceptor splice site typically lead to a loss of protein function (PMID: 16199547), and loss-of-function variants in HMGCL are known to be pathogenic (PMID: 9817922, 17692550, 23465862). This variant is not present in population databases (gnomAD no frequency). Disruption of this splice site has been observed in individual(s) with 3-Hydroxy-3-Methylglutaric aciduria (PMID: 17173698). Algorithms developed to predict the effect of sequence changes on RNA splicing suggest that this variant may disrupt the consensus splice site. In summary, the currently available evidence indicates that the variant is pathogenic, but additional data are needed to prove that conclusively. Therefore, this variant has been classified as Likely Pathogenic.

Literature cited by the submitters: PubMed 16199547; PubMed 9817922; PubMed 17692550; PubMed 23465862; PubMed 17173698.

NM_000191.3(HMGCL):c.561+1G>T

Gene: HMGCL (3-hydroxy-3-methylglutaryl-CoA lyase; minus strand). Cytogenetic location: 1p36.11.
Variant type: single nucleotide variant.
Coding change: c.561+1G>T on transcript NM_000191.3 (MANE Select); the canonical splice donor site of the intron after coding-DNA position 561, G replaced by T.
Molecular consequence: splice donor variant. On other transcripts: intron variant (1).
Genome position (GRCh38, 1-based): chr1:23,810,735, C>A on the plus strand (G>T on the coding strand, the complement: HMGCL is on the minus strand). VCF-style: chr1-23810735-C-A. GRCh37 (hg19) VCF-style: chr1-24137225-C-A.
Other names: c.349-2412G>T (NM_001166059.2).
Identifiers: ClinVar variation 2962394 (VCV002962394.3), dbSNP rs2521419194, ClinGen allele CA339024974.